The following is an entry in ClinVar:

ClinVar aggregate classification (germline): Pathogenic (1 of 4 stars; one submission).

Conditions:
Retinoblastoma (RB1). Also called: RETINOBLASTOMA, SOMATIC. Identifiers: Orphanet 790, MedGen C0035335, MeSH D012175, MONDO:0008380, OMIM 180200, HP:0009919. Disease mechanism: loss of function. Inheritance: Both sporadic and heritable forms are tested..

Submission:

Labcorp Genetics (formerly Invitae), Labcorp
Classification: Pathogenic for Retinoblastoma. Last evaluated: 2025-12-08. Review status: criteria provided, single submitter. Criteria: Invitae Variant Classification Sherloc (09022015). Collection method: clinical testing. Allele origin: germline.
Comment: This sequence change creates a premature translational stop signal (p.Ile101Serfs*10) in the RB1 gene. It is expected to result in an absent or disrupted protein product. Loss-of-function variants in RB1 are known to be pathogenic (PMID: 17096365). This variant is not present in population databases (gnomAD no frequency). This premature translational stop signal has been observed in individual(s) with retinoblastoma (PMID: 28575107). For these reasons, this variant has been classified as Pathogenic.

Literature cited by the submitters: PubMed 17096365; PubMed 28575107.

NM_000321.3(RB1):c.301del (p.Ile101fs)

Gene: RB1 (RB transcriptional corepressor 1; plus strand). Cytogenetic location: 13q14.2.
Variant type: Deletion.
Coding change: c.301del on transcript NM_000321.3 (MANE Select); coding-DNA position 301, one base deleted (A; older notation c.301delA).
Protein change: p.Ile101fs; shifts the reading frame from isoleucine 101.
Molecular consequence: frameshift variant.
Genome position (GRCh38, 1-based): chr13:48,342,635, A deleted; the last of 2 consecutive A bases (chr13:48,342,634-48,342,635); deleting either gives the same sequence. VCF-style (leftmost placement, unchanged base first): chr13-48342633-GA-G. GRCh37 (hg19) VCF-style: chr13-48916769-GA-G.
Other names: c.301del, p.Ile101fs (NM_001407165.1, NM_001407166.1); short protein forms I101fs.
Identifiers: ClinVar variation 4732679 (VCV004732679.1).